The following is an entry in ClinVar:

ClinVar aggregate classification (germline): Uncertain significance (1 of 4 stars; one submission).

Submission:

Mayo Clinic Laboratories, Mayo Clinic
Classification: Uncertain significance. Last evaluated: 2025-03-18. Review status: criteria provided, single submitter. Criteria: ACMG Guidelines, 2015. Collection method: clinical testing. Allele origin: germline. Observed: 1 variant allele.
Comment: BP4

NM_005609.4(PYGM):c.1750G>A (p.Val584Ile)

Gene: PYGM (glycogen phosphorylase, muscle associated; minus strand). Cytogenetic location: 11q13.1.
Variant type: single nucleotide variant.
Coding change: c.1750G>A on transcript NM_005609.4 (MANE Select); coding-DNA position 1750, G replaced by A.
Protein change: p.Val584Ile; replaces valine 584 with isoleucine.
Molecular consequence: missense variant.
Genome position (GRCh38, 1-based): chr11:64,751,942, C>T on the plus strand (G>A on the coding strand, the complement: PYGM is on the minus strand). VCF-style: chr11-64751942-C-T. GRCh37 (hg19) VCF-style: chr11-64519414-C-T.
Other names: p.Val584Ile; c.1486G>A, p.Val496Ile (NM_001164716.1); short protein forms V496I, V584I.
Identifiers: ClinVar variation 4541634 (VCV004541634.1).